The following is an entry in ClinVar:

NM_015692.5(CPAMD8):c.999C>T (p.Phe333=)

Gene: CPAMD8 (C3 and PZP like alpha-2-macroglobulin domain containing 8; minus strand). Cytogenetic location: 19p13.11.
Variant type: single nucleotide variant.
Coding change: c.999C>T on transcript NM_015692.5 (MANE Select); coding-DNA position 999, C replaced by T.
Protein change: p.Phe333=; no amino-acid change (phenylalanine 333 retained).
Molecular consequence: synonymous variant. On other transcripts: non-coding transcript variant (1).
Genome position (GRCh38, 1-based): chr19:16,997,207, G>A on the plus strand (C>T on the coding strand, the complement: CPAMD8 is on the minus strand). VCF-style: chr19-16997207-G-A. GRCh37 (hg19) VCF-style: chr19-17108017-G-A.
Other names: c.1140C>T (NM_015692.2).
Identifiers: ClinVar variation 2040768 (VCV002040768.6), dbSNP rs150144021, ClinGen allele CA9285859.

ClinVar aggregate classification (germline): Benign. Review status: criteria provided, single submitter (1 of 4 stars). 2 submissions from 2 submitters: Benign (1). 1 of the submissions does not count toward it. Last evaluated 2024-12-25.

Conditions:
CPAMD8-related disorder. Also called: CPAMD8-related condition.

Allele frequency attached by ClinVar (database versions not stated): 1000 Genomes Project 30x 0.00172; 1000 Genomes Project 0.00180; gnomAD 0.00274; TOPMed 0.00314; ESP Exome Variant Server 0.00357; ExAC 0.00081.
gnomAD v4.1: 808 of 1,574,568 alleles (0.051%); highest among the groups gnomAD compares: African/African-American, 0.96%; 2 homozygotes.

Submissions (2):

Labcorp Genetics (formerly Invitae), Labcorp
Classification: Benign. Last evaluated: 2024-12-25. Review status: criteria provided, single submitter. Criteria: Invitae Variant Classification Sherloc (09022015). Collection method: clinical testing. Allele origin: germline.

PreventionGenetics, part of Exact Sciences
Classification: Benign for CPAMD8-related condition. Last evaluated: 2019-06-04. Review status: no assertion criteria provided. Collection method: clinical testing. Allele origin: germline. Not counted in ClinVar's aggregate classification.
Comment: This variant is classified as benign based on ACMG/AMP sequence variant interpretation guidelines (Richards et al. 2015 PMID: 25741868, with internal and published modifications).